The following is an entry in ClinVar:

ClinVar aggregate classification (germline): Pathogenic (1 of 4 stars; one submission).

Conditions:
Wilms tumor 1 (WT1). Also called: Wilms tumor, somatic. Identifiers: Orphanet 654, MedGen CN033288, MONDO:0008679, OMIM 194070.

Submission:

Labcorp Genetics (formerly Invitae), Labcorp
Classification: Pathogenic for Wilms tumor 1. Last evaluated: 2025-10-14. Review status: criteria provided, single submitter. Criteria: Invitae Variant Classification Sherloc (09022015). Collection method: clinical testing. Allele origin: germline.
Comment: This sequence change creates a premature translational stop signal (p.Ala13Aspfs*55) in the GPC3 gene. It is expected to result in an absent or disrupted protein product. Loss-of-function variants in GPC3 are known to be pathogenic (PMID: 10402475, 12713262, 17603795). This variant is not present in population databases (gnomAD no frequency). This variant has not been reported in the literature in individuals affected with GPC3-related conditions. For these reasons, this variant has been classified as Pathogenic.

Literature cited by the submitters: PubMed 10402475; PubMed 12713262; PubMed 17603795.

NM_004484.4(GPC3):c.38_39del (p.Ala13fs)

Gene: GPC3 (glypican 3; minus strand). Cytogenetic location: Xq26.2.
Variant type: Deletion.
Coding change: c.38_39del on transcript NM_004484.4 (MANE Select); coding-DNA positions 38 to 39, 2 bases deleted (CG; older notation c.38_39delCG).
Protein change: p.Ala13fs; shifts the reading frame from alanine 13.
Molecular consequence: frameshift variant.
Genome position (GRCh38, 1-based): chrX:133,985,411-133,985,412, CG deleted on the plus strand (CG on the coding strand, the reverse complement: GPC3 is on the minus strand); deleting any 2 consecutive bases within chrX:133,985,411-133,985,413 gives the same sequence; the c. name uses the placement nearest the transcript's 3' end. VCF-style (leftmost placement, unchanged base first): chrX-133985410-TCG-T. GRCh37 (hg19) VCF-style: chrX-133119437-TCG-T.
Other names: c.38_39del, p.Ala13fs (NM_001164617.2, NM_001164618.2, NM_001164619.2); short protein forms A13fs.
Identifiers: ClinVar variation 4729112 (VCV004729112.1).